The following is an entry in ClinVar:

ClinVar aggregate classification (germline): Uncertain significance. Review status: criteria provided, multiple submitters, no conflicts (2 of 4 stars). 3 submissions from 3 submitters: Uncertain significance (3). Last evaluated 2024-05-12.

Conditions:
Long QT syndrome (LQTS). Identifiers: MedGen C0023976, MeSH D008133, MONDO:0002442. Disease mechanism: loss of function. Inheritance: Various modes of inheritance.
Cardiac arrhythmia, ankyrin-B-related. Also called: ANKYRIN-B SYNDROME. Identifiers: Orphanet 101016, Orphanet 768, MedGen C1970119, MONDO:0010958, OMIM 600919.
Cardiovascular phenotype. Identifiers: MedGen CN230736.

gnomAD v4.1: 16 of 1,613,886 alleles (0.00099%); highest among the groups gnomAD compares: Non-Finnish European, 0.0012%; no homozygotes.

Submissions (3):

Ambry Genetics
Classification: Uncertain significance for Cardiovascular phenotype. Last evaluated: 2024-05-12. Review status: criteria provided, single submitter. Criteria: Ambry Variant Classification Scheme 2023. Collection method: clinical testing. Allele origin: germline.
Comment: The p.S2516R variant (also known as c.7546A>C), located in coding exon 38 of the ANK2 gene, results from an A to C substitution at nucleotide position 7546. The serine at codon 2516 is replaced by arginine, an amino acid with dissimilar properties. This amino acid position is conserved. In addition, the in silico prediction for this alteration is inconclusive. Based on the available evidence, the clinical significance of this variant remains unclear.

Labcorp Genetics (formerly Invitae), Labcorp
Classification: Uncertain significance for Long QT syndrome. Last evaluated: 2023-12-13. Review status: criteria provided, single submitter. Criteria: Invitae Variant Classification Sherloc (09022015). Collection method: clinical testing. Allele origin: germline.
Comment: This sequence change replaces serine, which is neutral and polar, with arginine, which is basic and polar, at codon 2516 of the ANK2 protein (p.Ser2516Arg). This variant is present in population databases (no rsID available, gnomAD 0.007%). This variant has not been reported in the literature in individuals affected with ANK2-related conditions. ClinVar contains an entry for this variant (Variation ID: 347331). An algorithm developed to predict the effect of missense changes on protein structure and function (PolyPhen-2) suggests that this variant is likely to be disruptive. In summary, the available evidence is currently insufficient to determine the role of this variant in disease. Therefore, it has been classified as a Variant of Uncertain Significance.

Illumina Laboratory Services, Illumina
Classification: Uncertain significance for Cardiac arrhythmia, ankyrin-B-related. Last evaluated: 2018-01-12. Review status: criteria provided, single submitter. Criteria: ICSL Variant Classification Criteria 13 December 2019. Collection method: clinical testing. Allele origin: germline.

NM_001148.6(ANK2):c.7546A>C (p.Ser2516Arg)

Genes: ANK2 (ankyrin 2; plus strand), LOC126807137 (CDK7 strongly-dependent group 2 enhancer GRCh37_chr4:114276560-114277759; plus strand). Cytogenetic location: 4q26.
Variant type: single nucleotide variant.
Coding change: c.7546A>C on transcript NM_001148.6 (MANE Select); coding-DNA position 7546, A replaced by C.
Protein change: p.Ser2516Arg; replaces serine 2516 with arginine.
Molecular consequence: missense variant. On other transcripts: intron variant (68).
Genome position (GRCh38, 1-based): chr4:113,356,164, A>C. VCF-style: chr4-113356164-A-C. GRCh37 (hg19) VCF-style: chr4-114277320-A-C.
Other names: c.7312A>C, p.Ser2438Arg (NM_001386142.1); c.3946A>C, p.Ser1316Arg (NM_001386166.1); c.7687A>C, p.Ser2563Arg (NM_001386174.1); c.7663A>C, p.Ser2555Arg (NM_001386175.1); c.4412-4659A>C (NM_001386186.2, NM_001386148.2); c.4214-4659A>C (NM_001354269.3); c.4292-4659A>C (NM_001386187.2); c.4253-4659A>C (NM_001386147.1); and 35 more; short protein forms S2516R, S1316R, S2438R, S2555R, S2563R.
Identifiers: ClinVar variation 347331 (VCV000347331.9), dbSNP rs771826064, ClinGen allele CA10616947.
Genomic context (GRCh38, chr4:113,356,164, plus strand): 5'-ACAGAACTCTTGACGGAAGTGGCCTCTGTGCGGTCCCGGCTACTCCGAGACCCTGATGGC[A>C]GTGCTGAGGATGACAGTCTTGAGCAGACATCGCTCATGGAGAGCTCAGGGAAGAGCCCCC-3'
Protein context (NP_001139.3, residues 2506-2526): RSRLLRDPDG[Ser2516Arg]AEDDSLEQTS